The following is an entry in ClinVar:

ClinVar aggregate classification (germline): Uncertain significance. Review status: criteria provided, single submitter (1 of 4 stars). 2 submissions from 2 submitters: Uncertain significance (1). 1 of the submissions does not count toward it. Last evaluated 2023-09-12.

Conditions:
Intellectual disability, X-linked, with or without seizures, ARX-related. Also called: Mental retardation, X-linked 52; INTELLECTUAL DEVELOPMENTAL DISORDER, X-LINKED 29; MENTAL RETARDATION, X-LINKED 29; MENTAL RETARDATION, X-LINKED 32; MENTAL RETARDATION, X-LINKED 33; MENTAL RETARDATION, X-LINKED 38. Identifiers: Orphanet 777, MedGen C0796244, MONDO:0010317, OMIM 300419.

Allele frequency attached by ClinVar (database versions not stated): gnomAD exomes below 0.00001.
gnomAD v4.1: 1 of 1,208,794 alleles (0.000083%); highest among the groups gnomAD compares: Non-Finnish European, 0.00011%; no homozygotes.

Submissions (2):

GeneDx
Classification: Uncertain significance. Last evaluated: 2023-09-12. Review status: criteria provided, single submitter. Criteria: GeneDx Variant Classification Process June 2021. Collection method: clinical testing. Allele origin: germline. Affected: yes.
Comment: Not observed at significant frequency in large population cohorts (gnomAD); In silico analysis supports that this missense variant has a deleterious effect on protein structure/function; This variant is associated with the following publications: (PMID: 20300201, 32383243, 35840571)

Solve-RD Consortium
Classification: Likely pathogenic for Intellectual disability, X-linked, with or without seizures, ARX-related. Last evaluated: 2022-06-01. Review status: no assertion criteria provided. Collection method: provider interpretation. Allele origin: inherited. Affected: yes. Not counted in ClinVar's aggregate classification.
Comment: Variant confirmed as disease-causing by referring clinical team

Variant identified during reanalysis of unsolved cases by the Solve-RD project. The Solve-RD project has received funding from the European Union’s Horizon 2020 research and innovation programme under grant agreement No 779257.

Literature cited by the submitters: PubMed 39825153 (cited by Solve-RD Consortium).

NM_139058.3(ARX):c.1109C>T (p.Ala370Val)

Gene: ARX (aristaless related homeobox; minus strand). Cytogenetic location: Xp21.3.
Variant type: single nucleotide variant.
Coding change: c.1109C>T on transcript NM_139058.3 (MANE Select); coding-DNA position 1109, C replaced by T.
Protein change: p.Ala370Val; replaces alanine 370 with valine.
Molecular consequence: missense variant.
Genome position (GRCh38, 1-based): chrX:25,010,270, G>A on the plus strand (C>T on the coding strand, the complement: ARX is on the minus strand). VCF-style: chrX-25010270-G-A. GRCh37 (hg19) VCF-style: chrX-25028387-G-A.
Other names: short protein forms A370V.
Identifiers: ClinVar variation 3252939 (VCV003252939.2), dbSNP rs2519104171.